The following is an entry in ClinVar:

NM_017547.4(FOXRED1):c.549C>A (p.Ala183=)

Gene: FOXRED1 (FAD dependent oxidoreductase domain containing 1; plus strand). Cytogenetic location: 11q24.2.
Variant type: single nucleotide variant.
Coding change: c.549C>A on transcript NM_017547.4 (MANE Select); coding-DNA position 549, C replaced by A.
Protein change: p.Ala183=; no amino-acid change (alanine 183 retained).
Molecular consequence: synonymous variant. On other transcripts: non-coding transcript variant (2).
Genome position (GRCh38, 1-based): chr11:126,274,939, C>A. VCF-style: chr11-126274939-C-A. GRCh37 (hg19) VCF-style: chr11-126144834-C-A.
Other names: c.549C>A (NM_017547.3).
Identifiers: ClinVar variation 1568407 (VCV001568407.11), dbSNP rs148452776, ClinGen allele CA6354129.

ClinVar aggregate classification (germline): Likely benign. Review status: criteria provided, multiple submitters, no conflicts (2 of 4 stars). 3 submissions from 3 submitters: Likely benign (2). 1 of the submissions does not count toward it. Last evaluated 2026-01-13.

Conditions:
FOXRED1-related disorder. Also called: FOXRED1-related condition.

Allele frequency attached by ClinVar (database versions not stated): TOPMed 0.00009; ESP Exome Variant Server 0.00015.

Submissions (3):

Labcorp Genetics (formerly Invitae), Labcorp
Classification: Likely benign. Last evaluated: 2026-01-13. Review status: criteria provided, single submitter. Criteria: Invitae Variant Classification Sherloc (09022015). Collection method: clinical testing. Allele origin: germline.

Blueprint Genetics
Classification: Likely benign. Last evaluated: 2023-02-27. Review status: criteria provided, single submitter. Criteria: ACMG Guidelines, 2015. Collection method: clinical testing. Allele origin: germline.

PreventionGenetics, part of Exact Sciences
Classification: Likely benign for FOXRED1-related condition. Last evaluated: 2020-02-26. Review status: no assertion criteria provided. Collection method: clinical testing. Allele origin: germline. Not counted in ClinVar's aggregate classification.
Comment: This variant is classified as likely benign based on ACMG/AMP sequence variant interpretation guidelines (Richards et al. 2015 PMID: 25741868, with internal and published modifications).